The following is an entry in ClinVar:

NM_000330.4(RS1):c.78+1G>T

Gene: RS1 (retinoschisin 1; minus strand). Cytogenetic location: Xp22.13.
Variant type: single nucleotide variant.
Coding change: c.78+1G>T on transcript NM_000330.4 (MANE Select); the canonical splice donor site of the intron after coding-DNA position 78, G replaced by T.
Molecular consequence: splice donor variant.
Genome position (GRCh38, 1-based): chrX:18,657,639, C>A on the plus strand (G>T on the coding strand, the complement: RS1 is on the minus strand). VCF-style: chrX-18657639-C-A. GRCh37 (hg19) VCF-style: chrX-18675759-C-A.
Identifiers: ClinVar variation 3775927 (VCV003775927.1).
Genomic context (GRCh38, chrX:18,657,639, plus strand): 5'-GGCTAGGAAAATTTTCAAAAGTACTATGCATGTACATTACAGCCTTCTTACTGTTACATA[C>A]CTCGGTAGACGATAATCCCAATGTGGCTAAAGCAAAAGGATGAGACAGAAAAAATCTAAT-3'

ClinVar aggregate classification (germline): Pathogenic (1 of 4 stars; one submission).

Conditions:
Juvenile retinoschisis (RS1). Also called: X-Linked Juvenile Retinoschisis; X-linked retinoschisis. Identifiers: Orphanet 792, MedGen C3714753, MONDO:0010725, OMIM 312700.

Submission:

3billion
Classification: Pathogenic for Juvenile retinoschisis. Last evaluated: 2023-10-24. Review status: criteria provided, single submitter. Criteria: ACMG Guidelines, 2015. Collection method: clinical testing. Allele origin: germline. Affected: yes.
Comment: The variant is not observed in the gnomAD v2.1.1 dataset. Predicted Consequence/Location: Canonical splice site: predicted to alter splicing and result in a loss or disruption of normal protein function. Multiple pathogenic loss-of-function variants are reported downstream of the variant. The variant has been reported to be associated with RS1 related disorder (PMID: 19390641). Therefore, this variant is classified as Pathogenic according to the recommendation of ACMG/AMP guideline.

Literature cited by the submitters: PubMed 19390641.